The following is an entry in ClinVar:

ClinVar aggregate classification (germline): Uncertain significance. Review status: criteria provided, multiple submitters, no conflicts (2 of 4 stars). 2 submissions from 2 submitters: Uncertain significance (2). Last evaluated 2025-09-27.

Conditions:
Hereditary cancer-predisposing syndrome. Also called: Hereditary Cancer Syndrome; Tumor predisposition; Hereditary neoplastic syndrome; Neoplastic Syndromes, Hereditary. Identifiers: Orphanet 140162, MedGen C0027672, MeSH D009386, MONDO:0015356.
Multiple endocrine neoplasia, type 2 (MEN2). Identifiers: Orphanet 653, MedGen C4048306, MONDO:0019003. Disease mechanism: gain of function.

Allele frequency attached by ClinVar (database versions not stated): gnomAD exomes below 0.00001 and 0.00001; ExAC 0.00001.
gnomAD v4.1: 2 of 1,614,174 alleles (0.00012%); highest among the groups gnomAD compares: East Asian, 0.0045%; no homozygotes.

Submissions (2):

Ambry Genetics
Classification: Uncertain significance for Hereditary cancer-predisposing syndrome. Last evaluated: 2025-09-27. Review status: criteria provided, single submitter. Criteria: Ambry Variant Classification Scheme 2023. Collection method: clinical testing. Allele origin: germline.
Comment: The p.A741G variant (also known as c.2222C>G), located in coding exon 12 of the RET gene, results from a C to G substitution at nucleotide position 2222. The alanine at codon 741 is replaced by glycine, an amino acid with similar properties. This amino acid position is highly conserved in available vertebrate species. In addition, this alteration is predicted to be deleterious by in silico analysis. Based on data from gnomAD, the frequency for this variant is above the maximum credible frequency for a MEN2-causing variant in this gene based on internally established thresholds (Karczewski et al. Nature. 2020 May;581(7809):434-443; Whiffin et al. Genet Med. 2017 10;19:1151-1158). Based on the supporting evidence, the association of this alteration with Hirschsprung disease is unknown; however, the association of this alteration with MEN2 is unlikely.

Labcorp Genetics (formerly Invitae), Labcorp
Classification: Uncertain significance for Multiple endocrine neoplasia, type 2. Last evaluated: 2025-04-28. Review status: criteria provided, single submitter. Criteria: Invitae Variant Classification Sherloc (09022015). Collection method: clinical testing. Allele origin: germline.
Comment: This sequence change replaces alanine, which is neutral and non-polar, with glycine, which is neutral and non-polar, at codon 741 of the RET protein (p.Ala741Gly). This variant is present in population databases (rs761397627, gnomAD 0.01%). This variant has not been reported in the literature in individuals affected with RET-related conditions. ClinVar contains an entry for this variant (Variation ID: 1042395). An algorithm developed to predict the effect of missense changes on protein structure and function (PolyPhen-2) suggests that this variant is likely to be disruptive. In summary, the available evidence is currently insufficient to determine the role of this variant in disease. Therefore, it has been classified as a Variant of Uncertain Significance.

NM_020975.6(RET):c.2222C>G (p.Ala741Gly)

Gene: RET (ret proto-oncogene; plus strand). Cytogenetic location: 10q11.21.
Variant type: single nucleotide variant.
Coding change: c.2222C>G on transcript NM_020975.6 (MANE Select); coding-DNA position 2222, C replaced by G.
Protein change: p.Ala741Gly; replaces alanine 741 with glycine.
Molecular consequence: missense variant.
Genome position (GRCh38, 1-based): chr10:43,116,669, C>G. VCF-style: chr10-43116669-C-G. GRCh37 (hg19) VCF-style: chr10-43612117-C-G.
Other names: c.2222C>G, p.Ala741Gly (NM_000323.2, NM_001406743.1, NM_001406744.1 and 4 more transcripts); c.1460C>G, p.Ala487Gly (NM_001355216.2); c.2093C>G, p.Ala698Gly (NM_001406761.1, NM_001406762.1, NM_001406764.1); c.2087C>G, p.Ala696Gly (NM_001406763.1, NM_001406765.1); c.1934C>G, p.Ala645Gly (NM_001406766.1, NM_001406767.1, NM_001406770.1); c.1958C>G, p.Ala653Gly (NM_001406768.1); c.1826C>G, p.Ala609Gly (NM_001406769.1, NM_001406772.1); c.1784C>G, p.Ala595Gly (NM_001406771.1, NM_001406773.1); and 10 more; short protein forms A487G, A741G, A402G, A499G, A595G, A645G, A696G, A258G.
Identifiers: ClinVar variation 1042395 (VCV001042395.12), dbSNP rs761397627, ClinGen allele CA037842.
Genomic context (GRCh38, chr10:43,116,669, plus strand): 5'-GGAAGAACTTGGTTCTTGGAAAAACTCTAGGAGAAGGCGAATTTGGAAAAGTGGTCAAGG[C>G]AACGGCCTTCCATCTGAAAGGCAGAGCAGGGTACACCACGGTGGCCGTGAAGATGCTGAA-3'
Protein context (NP_066124.1, residues 731-751): GEGEFGKVVK[Ala741Gly]TAFHLKGRAG